The following is an entry in ClinVar:

ClinVar aggregate classification (germline): Uncertain significance (1 of 4 stars; one submission).

Conditions:
Cataract 20 multiple types (CTRCT20). Also called: Membranous cataract. Identifiers: Orphanet 91492, MedGen C0524524, MONDO:0007284, OMIM 116100, HP:0010922.

Submission:

Labcorp Genetics (formerly Invitae), Labcorp
Classification: Uncertain significance for Cataract 20 multiple types. Last evaluated: 2025-11-03. Review status: criteria provided, single submitter. Criteria: Invitae Variant Classification Sherloc (09022015). Collection method: clinical testing. Allele origin: germline.
Comment: This sequence change creates a premature translational stop signal (p.Tyr150*) in the CRYGS gene. While this is not anticipated to result in nonsense mediated decay, it is expected to disrupt the last 29 amino acid(s) of the CRYGS protein. This variant is not present in population databases (gnomAD no frequency). This variant has not been reported in the literature in individuals affected with CRYGS-related conditions. ClinVar contains an entry for this variant (Variation ID: 2772725). Experimental studies and prediction algorithms are not available or were not evaluated, and the functional significance of this variant is currently unknown. In summary, the available evidence is currently insufficient to determine the role of this variant in disease. Therefore, it has been classified as a Variant of Uncertain Significance.

NM_017541.4(CRYGS):c.450C>A (p.Tyr150Ter)

Gene: CRYGS (crystallin gamma S; minus strand). Cytogenetic location: 3q27.3.
Variant type: single nucleotide variant.
Coding change: c.450C>A on transcript NM_017541.4 (MANE Select); coding-DNA position 450, C replaced by A.
Protein change: p.Tyr150Ter; replaces tyrosine 150 with a stop codon.
Molecular consequence: nonsense.
Genome position (GRCh38, 1-based): chr3:186,538,783, G>T on the plus strand (C>A on the coding strand, the complement: CRYGS is on the minus strand). VCF-style: chr3-186538783-G-T. GRCh37 (hg19) VCF-style: chr3-186256572-G-T.
Other names: short protein forms Y150*.
Identifiers: ClinVar variation 2772725 (VCV002772725.3), dbSNP rs2474500984, ClinGen allele CA355703047.